The following is an entry in ClinVar:

ClinVar aggregate classification (germline): Uncertain significance (1 of 4 stars; one submission).

Conditions:
Rhabdoid tumor predisposition syndrome 2 (RTPS2). Identifiers: Orphanet 231108, Orphanet 69077, MedGen C2750074, MONDO:0013224, OMIM 613325.

Submission:

Labcorp Genetics (formerly Invitae), Labcorp
Classification: Uncertain significance for Rhabdoid tumor predisposition syndrome 2. Last evaluated: 2022-04-07. Review status: criteria provided, single submitter. Criteria: Invitae Variant Classification Sherloc (09022015). Collection method: clinical testing. Allele origin: germline.
Comment: In summary, the available evidence is currently insufficient to determine the role of this variant in disease. Therefore, it has been classified as a Variant of Uncertain Significance. Algorithms developed to predict the effect of missense changes on protein structure and function are either unavailable or do not agree on the potential impact of this missense change (SIFT: "Deleterious"; PolyPhen-2: "Benign"; Align-GVGD: "Class C15"). This variant has not been reported in the literature in individuals affected with SMARCA4-related conditions. This variant is not present in population databases (gnomAD no frequency). This sequence change replaces phenylalanine, which is neutral and non-polar, with leucine, which is neutral and non-polar, at codon 412 of the SMARCA4 protein (p.Phe412Leu).

NM_003072.5(SMARCA4):c.1236C>G (p.Phe412Leu)

Gene: SMARCA4 (SWI/SNF related BAF chromatin remodeling complex subunit ATPase 4; plus strand). Cytogenetic location: 19p13.2.
Variant type: single nucleotide variant.
Coding change: c.1236C>G on transcript NM_003072.5 (MANE Select); coding-DNA position 1236, C replaced by G.
Protein change: p.Phe412Leu; replaces phenylalanine 412 with leucine.
Molecular consequence: missense variant. On other transcripts: non-coding transcript variant (1).
Genome position (GRCh38, 1-based): chr19:10,989,434, C>G. VCF-style: chr19-10989434-C-G. GRCh37 (hg19) VCF-style: chr19-11100110-C-G.
Other names: c.1236C>G, p.Phe412Leu (NM_001128844.3, NM_001128845.2, NM_001128846.2 and 6 more transcripts); short protein forms F412L.
Identifiers: ClinVar variation 2122341 (VCV002122341.4), dbSNP rs140000691, ClinGen allele CA404059808.
Genomic context (GRCh38, chr19:10,989,434, plus strand): 5'-GGCCGGGGATTTGCGAACCAAAGCGACCATTGAGCTCAAGGCCCTCAGGCTGCTGAACTT[C>G]CAGAGGCAGGTGGGTGCTGGCATGGCCGCAGCTTTCCGAAAAGGGCCTTTGTCACCAACA-3'
Protein context (NP_003063.2, residues 402-422): IELKALRLLN[Phe412Leu]QRQLRQEVVV